The following is an entry in ClinVar:

NM_000127.3(EXT1):c.369A>C (p.Lys123Asn)

Gene: EXT1 (exostosin glycosyltransferase 1; minus strand). Cytogenetic location: 8q24.11.
Variant type: single nucleotide variant.
Coding change: c.369A>C on transcript NM_000127.3 (MANE Select); coding-DNA position 369, A replaced by C.
Protein change: p.Lys123Asn; replaces lysine 123 with asparagine.
Molecular consequence: missense variant.
Genome position (GRCh38, 1-based): chr8:118,110,678, T>G on the plus strand (A>C on the coding strand, the complement: EXT1 is on the minus strand). VCF-style: chr8-118110678-T-G. GRCh37 (hg19) VCF-style: chr8-119122917-T-G.
Other names: short protein forms K123N.
Identifiers: ClinVar variation 3696510 (VCV003696510.2).

ClinVar aggregate classification (germline): Uncertain significance (1 of 4 stars; one submission).

Conditions:
Multiple congenital exostosis (EXT). Also called: Multiple exostoses; MULTIPLE CARTILAGINOUS EXOSTOSES; Hereditary multiple osteochondromas; Hereditary multiple exostoses; Hereditary multiple exostosis; Multiple osteochondromas. Identifiers: Orphanet 321, MedGen C0015306, MONDO:0005508, HP:0002762.

Submission:

Labcorp Genetics (formerly Invitae), Labcorp
Classification: Uncertain significance for Multiple congenital exostosis. Last evaluated: 2024-05-31. Review status: criteria provided, single submitter. Criteria: Invitae Variant Classification Sherloc (09022015). Collection method: clinical testing. Allele origin: germline.
Comment: This sequence change replaces lysine, which is basic and polar, with asparagine, which is neutral and polar, at codon 123 of the EXT1 protein (p.Lys123Asn). This variant is not present in population databases (gnomAD no frequency). This variant has not been reported in the literature in individuals affected with EXT1-related conditions. Advanced modeling of protein sequence and biophysical properties (such as structural, functional, and spatial information, amino acid conservation, physicochemical variation, residue mobility, and thermodynamic stability) performed at Invitae indicates that this missense variant is not expected to disrupt EXT1 protein function with a negative predictive value of 95%. In summary, the available evidence is currently insufficient to determine the role of this variant in disease. Therefore, it has been classified as a Variant of Uncertain Significance.